The following is an entry in ClinVar:

ClinVar aggregate classification (germline): Likely benign (0 of 4 stars; one submission).

Conditions:
PANX1-related disorder. Also called: PANX1-related condition.

Allele frequency attached by ClinVar (database versions not stated): ExAC 0.00002; TOPMed 0.00005; gnomAD 0.00006.
gnomAD v4.1: 31 of 1,613,718 alleles (0.0019%); highest among the groups gnomAD compares: Admixed American, 0.01%; no homozygotes.

Submission:

PreventionGenetics, part of Exact Sciences
Classification: Likely benign for PANX1-related condition. Last evaluated: 2019-04-15. Review status: no assertion criteria provided. Collection method: clinical testing. Allele origin: germline.
Comment: This variant is classified as likely benign based on ACMG/AMP sequence variant interpretation guidelines (Richards et al. 2015 PMID: 25741868, with internal and published modifications).

NM_015368.4(PANX1):c.1083C>T (p.Ile361=)

Gene: PANX1 (pannexin 1; plus strand). Cytogenetic location: 11q21.
Variant type: single nucleotide variant.
Coding change: c.1083C>T on transcript NM_015368.4 (MANE Select); coding-DNA position 1083, C replaced by T.
Protein change: p.Ile361=; no amino-acid change (isoleucine 361 retained).
Molecular consequence: synonymous variant.
Genome position (GRCh38, 1-based): chr11:94,180,139, C>T. VCF-style: chr11-94180139-C-T. GRCh37 (hg19) VCF-style: chr11-93913305-C-T.
Identifiers: ClinVar variation 3058060 (VCV003058060.2), dbSNP rs180948414, ClinGen allele CA6234165.